The following is an entry in ClinVar:

ClinVar aggregate classification (germline): Uncertain significance (1 of 4 stars; one submission).

Conditions:
Joubert syndrome. Also called: CEREBELLOPARENCHYMAL DISORDER IV; JOUBERT-BOLTSHAUSER SYNDROME; Familial aplasia of the vermis. Identifiers: Orphanet 475, MedGen C5979921, MONDO:0018772.
Orofaciodigital syndrome I (OFD1). Also called: OFDS I; Papillon-Leage and Psaume Syndrome; Oral-Facial-Digital Syndrome Type I. Identifiers: Orphanet 2750, MedGen C1510460, MONDO:0010702, OMIM 311200.

Allele frequency attached by ClinVar (database versions not stated): gnomAD exomes below 0.00001; TOPMed below 0.00001; gnomAD 0.00001; ExAC 0.00003.
gnomAD v4.1: 6 of 1,179,702 alleles (0.00051%); highest among the groups gnomAD compares: Non-Finnish European, 0.00069%; no homozygotes.

Submission:

Labcorp Genetics (formerly Invitae), Labcorp
Classification: Uncertain significance for Orofaciodigital syndrome I; Joubert syndrome. Last evaluated: 2025-02-28. Review status: criteria provided, single submitter. Criteria: Invitae Variant Classification Sherloc (09022015). Collection method: clinical testing. Allele origin: germline.
Comment: This sequence change replaces arginine, which is basic and polar, with glutamine, which is neutral and polar, at codon 799 of the OFD1 protein (p.Arg799Gln). This variant is present in population databases (rs758147627, gnomAD 0.004%). This variant has not been reported in the literature in individuals affected with OFD1-related conditions. ClinVar contains an entry for this variant (Variation ID: 2934633). Invitae Evidence Modeling of protein sequence and biophysical properties (such as structural, functional, and spatial information, amino acid conservation, physicochemical variation, residue mobility, and thermodynamic stability) indicates that this missense variant is not expected to disrupt OFD1 protein function with a negative predictive value of 80%. In summary, the available evidence is currently insufficient to determine the role of this variant in disease. Therefore, it has been classified as a Variant of Uncertain Significance.

NM_003611.3(OFD1):c.2396G>A (p.Arg799Gln)

Gene: OFD1 (OFD1 centriole and centriolar satellite protein; plus strand). Cytogenetic location: Xp22.2.
Variant type: single nucleotide variant.
Coding change: c.2396G>A on transcript NM_003611.3 (MANE Select); coding-DNA position 2396, G replaced by A.
Protein change: p.Arg799Gln; replaces arginine 799 with glutamine.
Molecular consequence: missense variant.
Genome position (GRCh38, 1-based): chrX:13,762,352, G>A. VCF-style: chrX-13762352-G-A. GRCh37 (hg19) VCF-style: chrX-13780471-G-A.
Other names: c.2276G>A, p.Arg759Gln (NM_001330209.2); c.1976G>A, p.Arg659Gln (NM_001330210.2); short protein forms R759Q, R659Q, R799Q.
Identifiers: ClinVar variation 2934633 (VCV002934633.3), dbSNP rs758147627, ClinGen allele CA10352004.
Genomic context (GRCh38, chrX:13,762,352, plus strand): 5'-CTCTTTGGTTTTCCATTATTGAAACTTCACGAGTTTTATCCTTCCAATCTAGTCTTTATC[G>A]AAGACAAACTGAACTTCAAGACAAAAGTGAATTTTCAGATGTGGACAAGCTAGCTTTTAA-3'
Protein context (NP_003602.1, residues 789-809): SPPEQKVGLY[Arg799Gln]RQTELQDKSE